The following is an entry in ClinVar:

ClinVar aggregate classification (germline): Uncertain significance. Review status: criteria provided, multiple submitters, no conflicts (2 of 4 stars). 6 submissions from 6 submitters: Uncertain significance (5). 1 of the submissions does not count toward it. Last evaluated 2025-01-28.

Conditions:
Nemaline myopathy 2 (NEM2). Also called: Nemaline myopathy 2, autosomal recessive. Identifiers: MedGen C1850569, MONDO:0009725, OMIM 256030.
Arthrogryposis multiplex congenita 6. Identifiers: MedGen C5543431, MONDO:0030281, OMIM 619334.
Inborn genetic diseases. Identifiers: MedGen C0950123, MeSH D030342.

Allele frequency attached by ClinVar (database versions not stated): TOPMed below 0.00001; gnomAD 0.00001.
gnomAD v4.1: 9 of 1,609,228 alleles (0.00056%); highest among the groups gnomAD compares: East Asian, 0.0022%; no homozygotes.

Submissions (6):

Ambry Genetics
Classification: Uncertain significance for Inborn genetic diseases. Last evaluated: 2025-01-28. Review status: criteria provided, single submitter. Criteria: Ambry Variant Classification Scheme 2023. Collection method: clinical testing. Allele origin: germline.

Labcorp Genetics (formerly Invitae), Labcorp
Classification: Uncertain significance for Nemaline myopathy 2. Last evaluated: 2024-11-04. Review status: criteria provided, single submitter. Criteria: Invitae Variant Classification Sherloc (09022015). Collection method: clinical testing. Allele origin: germline.
Comment: This sequence change replaces arginine, which is basic and polar, with cysteine, which is neutral and slightly polar, at codon 5733 of the NEB protein (p.Arg5733Cys). The frequency data for this variant in the population databases is considered unreliable, as metrics indicate poor data quality at this position in the gnomAD database. This variant has not been reported in the literature in individuals affected with NEB-related conditions. ClinVar contains an entry for this variant (Variation ID: 1044213). Experimental studies and prediction algorithms are not available or were not evaluated, and the functional significance of this variant is currently unknown. In summary, the available evidence is currently insufficient to determine the role of this variant in disease. Therefore, it has been classified as a Variant of Uncertain Significance.

CeGaT Center for Human Genetics Tuebingen
Classification: Uncertain significance. Last evaluated: 2022-07-01. Review status: criteria provided, single submitter. Criteria: CeGaT Center For Human Genetics Tuebingen Variant Classification Criteria Version 2. Collection method: clinical testing. Allele origin: germline. Affected: yes. Observed: 1 variant allele.
Comment: NEB: PM2, BP4

Revvity Omics, Revvity
Classification: Uncertain significance. Last evaluated: 2022-06-07. Review status: criteria provided, single submitter. Criteria: ACMG Guidelines, 2015. Collection method: clinical testing. Allele origin: germline.

Fulgent Genetics
Classification: Uncertain significance for Nemaline myopathy 2; Arthrogryposis multiplex congenita 6. Last evaluated: 2021-09-30. Review status: criteria provided, single submitter. Criteria: ACMG Guidelines, 2015. Collection method: clinical testing. Allele origin: unknown.

Natera, Inc.
Classification: Uncertain significance for Nemaline myopathy type 2. Last evaluated: 2020-01-24. Review status: no assertion criteria provided. Collection method: clinical testing. Allele origin: germline. Not counted in ClinVar's aggregate classification.

NM_001164508.2(NEB):c.17197C>T (p.Arg5733Cys)

Gene: NEB (nebulin; minus strand). Cytogenetic location: 2q23.3.
Variant type: single nucleotide variant.
Coding change: c.17197C>T on transcript NM_001164508.2 (MANE Select); coding-DNA position 17197, C replaced by T.
Protein change: p.Arg5733Cys; replaces arginine 5733 with cysteine.
Molecular consequence: missense variant.
Genome position (GRCh38, 1-based): chr2:151,570,314, G>A on the plus strand (C>T on the coding strand, the complement: NEB is on the minus strand). VCF-style: chr2-151570314-G-A. GRCh37 (hg19) VCF-style: chr2-152426828-G-A.
Other names: c.17197C>T, p.Arg5733Cys (NM_001164507.2, NM_001271208.2); c.12094C>T, p.Arg4032Cys (NM_004543.5); c.12094C>T (NM_004543.4); short protein forms R5733C, R4032C.
Identifiers: ClinVar variation 1044213 (VCV001044213.39), dbSNP rs1000108046, ClinGen allele CA57663629.